The following is an entry in ClinVar:

ClinVar aggregate classification (germline): Uncertain significance. Review status: criteria provided, multiple submitters, no conflicts (2 of 4 stars). 2 submissions from 2 submitters: Uncertain significance (2). Last evaluated 2025-09-13.

Conditions:
Arrhythmogenic right ventricular dysplasia 11. Also called: ARRHYTHMOGENIC RIGHT VENTRICULAR DYSPLASIA, FAMILIAL, 11; Arrhythmogenic Right Ventricular Dysplasia/Cardiomyopathy11; Arrhythmogenic right ventricular dysplasia 11 with mild palmoplantar keratoderma and woolly hair. Identifiers: MedGen C1864850, MONDO:0012506, OMIM 610476.
Familial isolated arrhythmogenic right ventricular dysplasia. Identifiers: Orphanet 217656, MedGen C4274968, MONDO:0016342.

Allele frequency attached by ClinVar (database versions not stated): gnomAD exomes below 0.00001.
gnomAD v4.1: 1 of 1,613,906 alleles (0.000062%); highest among the groups gnomAD compares: Non-Finnish European, 0.000085%; no homozygotes.

Submissions (2):

Labcorp Genetics (formerly Invitae), Labcorp
Classification: Uncertain significance for Arrhythmogenic right ventricular dysplasia 11. Last evaluated: 2025-09-13. Review status: criteria provided, single submitter. Criteria: Invitae Variant Classification Sherloc (09022015). Collection method: clinical testing. Allele origin: germline.
Comment: This sequence change replaces arginine, which is basic and polar, with glycine, which is neutral and non-polar, at codon 901 of the DSC2 protein (p.Arg901Gly). This variant is not present in population databases (gnomAD no frequency). This variant has not been reported in the literature in individuals affected with DSC2-related conditions. ClinVar contains an entry for this variant (Variation ID: 3071004). An algorithm developed to predict the effect of missense changes on protein structure and function (PolyPhen-2) suggests that this variant is likely to be disruptive. In summary, the available evidence is currently insufficient to determine the role of this variant in disease. Therefore, it has been classified as a Variant of Uncertain Significance.

All of Us Research Program, National Institutes of Health
Classification: Uncertain significance for Familial isolated arrhythmogenic right ventricular dysplasia. Last evaluated: 2024-02-22. Review status: criteria provided, single submitter. Criteria: ACMG Guidelines, 2015. Collection method: clinical testing. Allele origin: germline. Inheritance: Autosomal dominant inheritance. Observed: 3 variant alleles, 3 heterozygotes.
Comment: This missense variant replaces arginine with glycine at codon 901 of the DSC2 protein. Computational prediction suggests that this variant may not impact protein structure and function (internally defined REVEL score threshold <= 0.5, PMID: 27666373). To our knowledge, functional studies have not been reported for this variant. This variant has not been reported in individuals affected with DSC2-related disorders in the literature. This variant has not been identified in the general population by the Genome Aggregation Database (gnomAD). The available evidence is insufficient to determine the role of this variant in disease conclusively. Therefore, this variant is classified as a Variant of Uncertain Significance.

This study involves interpretation of variants in research participants for the purpose of population health screening. Participant phenotype was not available at the time of variant classification. Additional details can be found in publication PMID: 35346344, PMCID: PMC8962531

NM_024422.6(DSC2):c.2701A>G (p.Arg901Gly)

Gene: DSC2 (desmocollin 2; minus strand). Cytogenetic location: 18q12.1.
Variant type: single nucleotide variant.
Coding change: c.2701A>G on transcript NM_024422.6 (MANE Select); coding-DNA position 2701, A replaced by G.
Protein change: p.Arg901Gly; replaces arginine 901 with glycine.
Molecular consequence: missense variant. On other transcripts: 3 prime UTR variant (2).
Genome position (GRCh38, 1-based): chr18:31,068,020, T>C on the plus strand (A>G on the coding strand, the complement: DSC2 is on the minus strand). VCF-style: chr18-31068020-T-C. GRCh37 (hg19) VCF-style: chr18-28647986-T-C.
Other names: c.2272A>G, p.Arg758Gly (NM_001406506.1); c.*203A>G (NM_001406507.1, NM_004949.5); short protein forms R758G, R901G.
Identifiers: ClinVar variation 3071004 (VCV003071004.3), dbSNP rs2510936519, ClinGen allele CA402109910.